The following is an entry in ClinVar:

ClinVar aggregate classification (germline): Pathogenic/Likely pathogenic. Review status: criteria provided, multiple submitters, no conflicts (2 of 4 stars). 31 submissions from 30 submitters: Pathogenic (21); Likely pathogenic (1). 9 of the submissions do not count toward it. Last evaluated 2026-03-27.

Conditions:
Enhanced S-cone syndrome (ESCS). Identifiers: Orphanet 53540, MedGen C1849394, MONDO:0100288, MONDO:0009989.
NR2E3-related disorder. Also called: NR2E3-related disorders; NR2E3-related condition. Identifiers: MedGen CN239387.
Retinal dystrophy. Also called: Inherited retinal dystrophy. Identifiers: Orphanet 71862, MedGen C0854723, MeSH D058499, MONDO:0019118, HP:0000556.
Retinitis pigmentosa 37 (RP37). Identifiers: Orphanet 791, MedGen C1970163, MONDO:0012625, OMIM 611131.
Retinitis pigmentosa (RP). Identifiers: Orphanet 791, MedGen C0035334, MeSH D012174, MONDO:0019200, OMIM 268000. Inheritance: Autosomal dominant, autosomal recessive and X linked inheritance.
Autosomal recessive retinitis pigmentosa. Identifiers: MedGen C0339526.
Goldmann-Favre syndrome. Identifiers: Orphanet 53540, MedGen C0339541, MONDO:0100289.

Allele frequency attached by ClinVar (database versions not stated): gnomAD exomes 0.00017 and 0.00040; gnomAD 0.00032 and 0.00033; ExAC 0.00034; TOPMed 0.00047; 1000 Genomes Project 0.00080; 1000 Genomes Project 30x 0.00109.

Submissions 1 to 12 of 31:

PreventionGenetics, part of Exact Sciences
Classification: Pathogenic for NR2E3-related condition. Last evaluated: 2026-03-27. Review status: criteria provided, single submitter. Criteria: ACMG Guidelines, 2015. Collection method: clinical testing. Allele origin: germline.
Comment: The NR2E3 c.932G>A variant is predicted to result in the amino acid substitution p.Arg311Gln. This variant has been reported in individuals with autosomal recessive inherited retinal disease (see for example: Haider et al. 2000. PubMed ID: 10655056; Areblom et al. 2023. PubMed ID: 37510321; Bryant. 2018. PubMed ID: 29343940). This variant results in mislocalization of NR2E3 and affects protein function (Escher et al. 2009. PubMed ID: 19006237; Kanda et al. 2009. PubMed ID: 19898638). This variant is reported in 0.47% of alleles in individuals of Ashkenazi Jewish descent in gnomAD. This variant is interpreted as pathogenic.

Labcorp Genetics (formerly Invitae), Labcorp
Classification: Pathogenic. Last evaluated: 2026-01-20. Review status: criteria provided, single submitter. Criteria: Invitae Variant Classification Sherloc (09022015). Collection method: clinical testing. Allele origin: germline.
Comment: This sequence change replaces arginine with glutamine at codon 311 of the NR2E3 protein (p.Arg311Gln). The arginine residue is weakly conserved and there is a small physicochemical difference between arginine and glutamine. This variant is present in population databases (rs28937873, gnomAD 0.5%), including at least one homozygous and/or hemizygous individual. This missense change has been observed in individuals with autosomal recessive NR2E3-related disorders, including enhanced S cone syndrome, retinitis pigmentosa, Goldmann-Favre syndrome, and retinal dystrophy (PMID: 10655056, 11071390, 11773633, 16024868, 18294254, 19898638, 26894784). It has also been observed to segregate with disease in related individuals. ClinVar contains an entry for this variant (Variation ID: 5532). Invitae Evidence Modeling of protein sequence and biophysical properties (such as structural, functional, and spatial information, amino acid conservation, physicochemical variation, residue mobility, and thermodynamic stability) indicates that this missense variant is not expected to disrupt NR2E3 protein function with a negative predictive value of 80%. Experimental studies are conflicting or provide insufficient evidence to determine the effect of this variant on NR2E3 function (PMID: 11071390, 19006237, 19823680, 19898638, 25703721). Algorithms developed to predict the effect of sequence changes on RNA splicing suggest that this variant may create or strengthen a splice site. For these reasons, this variant has been classified as Pathogenic.

Variantyx, Inc.
Classification: Pathogenic for Retinitis pigmentosa 37. Last evaluated: 2025-12-26. Review status: criteria provided, single submitter. Criteria: Variantyx Assertion Criteria 2022. Collection method: clinical testing. Allele origin: germline. Inheritance: Autosomal dominant inheritance. Affected: no.
Comment: This is a nonsynonymous variant in the NR2E3 gene (OMIM: 604485). Pathogenic variants in this gene have been associated with autosomal recessive retinitis pigmentosa 37. Functional studies have shown that this variant alters NR2E3 protein function (PMID: 19898638, 11071390, 17438525) (PS3_Moderate) and multiple computational algorithms predict no functional impact for this variant (REVEL score: 0.107) (BP4). This variant has a 0.0983% maximum allele frequency in non-founder control populations (PM2). Based on the current evidence, this variant is classified as pathogenic for autosomal recessive retinitis pigmentosa 37.

Natera, Inc.
Classification: Pathogenic for Enhanced S cone syndrome. Last evaluated: 2025-10-22. Review status: criteria provided, single submitter. Criteria: Natera Variant Classification Schema (03/2026). Collection method: clinical testing. Allele origin: germline.
Comment: The c.932G>A variant in NR2E3 is a missense variant predicted to cause substitution of arginine to glutamine at amino acid 311. This variant has been observed in one or more individuals affected with the associated recessive disease, as either homozygous or compound heterozygous with a second variant (PMID: 35672425, 33513943, 28541266, 19429590). Additionally, this variant has been observed to segregate in affected family members (PMID: 33513943). Given the available evidence, this variant is classified as Pathogenic.

Institute of Medical Genetics and Applied Genomics, University Hospital Tübingen
Classification: Pathogenic for Retinitis pigmentosa 37. Last evaluated: 2025-02-10. Review status: criteria provided, single submitter. Criteria: ACMG Guidelines, 2015. Collection method: clinical testing. Allele origin: germline. Inheritance: Autosomal recessive inheritance. Affected: yes.

3billion
Classification: Pathogenic for ENHANCED S-CONE SYNDROME 1. Last evaluated: 2025-01-18. Review status: criteria provided, single submitter. Criteria: ACMG Guidelines, 2015. Collection method: clinical testing. Allele origin: germline. Affected: yes.
Comment: The variant is observed at an extremely low frequency in the gnomAD v4.1.0 dataset (total allele frequency: 0.020%). Predicted Consequence/Location: Missense variant. The majority of the known disease-causing variants of this gene are variants expected to result in premature termination of the protein. Functional studies provide strong evidence of the variant having a damaging effect on the gene or gene product (PMID: 19006237, 19898638). In silico tools predict the variant to alter splicing and produce an abnormal transcript [SpliceAI: 0.74 (>=0.2, moderate evidence for spliceogenicity)]. The same nucleotide change resulting in the same amino acid change has been previously reported as pathogenic/likely pathogenic with strong evidence (ClinVar ID: VCV000005532 /PMID: 10655056 /3billion dataset). The variant has been reported to be in trans with a pathogenic variant as either compound heterozygous or homozygous in at least one similarly affected unrelated individual (PMID: 19006237). A different missense change at the same codon (p.Arg311Trp) has been reported as pathogenic/likely pathogenic with strong evidence (ClinVar ID: VCV000422071 /PMID: 30054919). Therefore, this variant is classified as Pathogenic according to the recommendation of ACMG/AMP guideline.

Dasa
Classification: Pathogenic. Last evaluated: 2024-12-23. Review status: criteria provided, single submitter. Criteria: DASA Assertion Criteria. Collection method: clinical testing. Allele origin: germline.
Comment: NM_014249.4(NR2E3):c.932G>A (p.Arg311Gln) is a missense variant that results in the substitution of arginine with glutamine. Segregation evidence has been reported in affected families. This variant has been observed in affected individuals with related phenotype in a genotype context consistent with recessive disease (PMID: 19898638; PMID: 17438525; PMID: 10655056; PMID: 11773633; PMID: 16024868). Functional evidence supports a deleterious effect on the gene or gene product (PMID: 19898638; PMID: 17438525; PMID: 10655056; PMID: 11773633; PMID: 16024868). This variant has been recurrently observed in individuals with related phenotype (PMID: 19898638; PMID: 17438525; PMID: 10655056; PMID: 11773633; PMID: 16024868). The variant is present at low frequency in population datasets. Based on the available data, this variant is classified as pathogenic.

Blueprint Genetics
Classification: Pathogenic for NR2E3-related disorders. Last evaluated: 2024-11-25. Review status: criteria provided, single submitter. Criteria: ACMG Guidelines, 2015. Collection method: clinical testing. Allele origin: germline. Affected: yes. Observed: 5 variant alleles.

Genomic Medicine Center of Excellence, King Faisal Specialist Hospital and Research Centre
Classification: Pathogenic for ENHANCED S-CONE SYNDROME 1. Last evaluated: 2024-10-07. Review status: criteria provided, single submitter. Criteria: ACMG Guidelines, 2015. Collection method: clinical testing. Allele origin: germline.

Dubai Health Genomic Medicine Center, Dubai Health
Classification: Pathogenic for Retinitis pigmentosa 37. Last evaluated: 2024-10-04. Review status: criteria provided, single submitter. Criteria: ACMG Guidelines, 2015. Collection method: research. Allele origin: germline. Affected: yes.
Comment: PS3,PP1,PM3(very strong)

Fulgent Genetics
Classification: Pathogenic for ENHANCED S-CONE SYNDROME 1; Retinitis pigmentosa 37. Last evaluated: 2024-04-05. Review status: criteria provided, single submitter. Criteria: ACMG Guidelines, 2015. Collection method: clinical testing. Allele origin: germline.

Baylor Genetics
Classification: Pathogenic for ENHANCED S-CONE SYNDROME 1. Last evaluated: 2024-03-28. Review status: criteria provided, single submitter. Criteria: ACMG Guidelines, 2015. Collection method: clinical testing. Allele origin: unknown.

NM_014249.4(NR2E3):c.932G>A (p.Arg311Gln)

Gene: NR2E3 (nuclear receptor subfamily 2 group E member 3; plus strand). Cytogenetic location: 15q23.
Variant type: single nucleotide variant.
Coding change: c.932G>A on transcript NM_014249.4 (MANE Select); coding-DNA position 932, G replaced by A.
Protein change: p.Arg311Gln; replaces arginine 311 with glutamine.
Molecular consequence: missense variant.
Genome position (GRCh38, 1-based): chr15:71,813,573, G>A. VCF-style: chr15-71813573-G-A. GRCh37 (hg19) VCF-style: chr15-72105913-G-A.
Other names: c.932G>A, p.Arg311Gln (NM_016346.4); short protein forms R311Q.
Identifiers: ClinVar variation 5532 (VCV000005532.90), dbSNP rs28937873, ClinGen allele CA117575.